The following is an entry in ClinVar:

NC_000016.10:g.(?_31182388)_(31194881_?)dup

Gene: FUS (FUS RNA binding protein; plus strand). Cytogenetic location: 16p11.2.
Variant type: Duplication.
Identifiers: ClinVar variation 831798 (VCV000831798.5).

ClinVar aggregate classification (germline): Uncertain significance (1 of 4 stars; one submission).

Conditions:
Tremor, hereditary essential, 4 (ETM4). Identifiers: MedGen C3539195, MONDO:0013888, OMIM 614782.
Amyotrophic lateral sclerosis type 6. Also called: FUS-Related Amyotrophic Laterial Sclerosis; AMYOTROPHIC LATERAL SCLEROSIS 6 WITHOUT FRONTOTEMPORAL DEMENTIA; Amyotrophic lateral sclerosis 6, with or without frontotemporal dementia. Identifiers: Orphanet 275872, Orphanet 803, MedGen C2931786, MONDO:0011951, OMIM 608030.

Submission:

Labcorp Genetics (formerly Invitae), Labcorp
Classification: Uncertain significance for Tremor, hereditary essential, 4; Amyotrophic lateral sclerosis type 6. Last evaluated: 2019-08-13. Review status: criteria provided, single submitter. Criteria: Invitae Variant Classification Sherloc (09022015). Collection method: clinical testing. Allele origin: germline.
Comment: In summary, the available evidence is currently insufficient to determine the role of this variant in disease. Therefore, it has been classified as a Variant of Uncertain Significance. This variant has not been reported in the literature in individuals with FUS-related conditions. This variant results in a copy number gain of the genomic region encompassing exons 2-15 of the FUS gene. The 5' boundary is likely confined to intron 1. The 3' end of this event is unknown as it extends beyond the assayed region for this gene and therefore may encompass additional genes. As the precise location of this event is unknown, it may be in tandem or it may be located elsewhere in the genome.